The following is an entry in ClinVar:

NM_001845.6(COL4A1):c.324+1G>A

Gene: COL4A1 (collagen type IV alpha 1 chain; minus strand). Cytogenetic location: 13q34.
Variant type: single nucleotide variant.
Coding change: c.324+1G>A on transcript NM_001845.6 (MANE Select); the canonical splice donor site of the intron after coding-DNA position 324, G replaced by A.
Molecular consequence: splice donor variant.
Genome position (GRCh38, 1-based): chr13:110,212,573, C>T on the plus strand (G>A on the coding strand, the complement: COL4A1 is on the minus strand). VCF-style: chr13-110212573-C-T. GRCh37 (hg19) VCF-style: chr13-110864920-C-T.
Other names: NC_000013.10:g.110864920C>T; c.324+1G>A (NM_001303110.2).
Identifiers: ClinVar variation 426821 (VCV000426821.6), dbSNP rs1085307816, ClinGen allele CA388726515.

ClinVar aggregate classification (germline): Pathogenic (1 of 4 stars; one submission).

Submissions (2):

GeneDx
Classification: Pathogenic. Last evaluated: 2025-04-08. Review status: criteria provided, single submitter. Criteria: GeneDx Variant Classification Process June 2021. Collection method: clinical testing. Allele origin: germline. Affected: yes.
Comment: Canonical splice site variant predicted to result in an in-frame loss of the adjacent exon in a gene for which loss of function is a known mechanism of disease; Not observed at significant frequency in large population cohorts (gnomAD); This variant is associated with the following publications: (PMID: 33057194, 35982159, 35150448, 32123317)

Dr. Peter K. Rogan Lab, Western University
No classification provided (evidence only). Condition: Uterine corpus endometrial carcinoma. Review status: no classification provided. Collection method: in vitro. Allele origin: not applicable. Functional consequence: skipped exon. Not counted in ClinVar's aggregate classification.